The following is an entry in ClinVar:

ClinVar aggregate classification (germline): Benign. Review status: criteria provided, multiple submitters, no conflicts (2 of 4 stars). 3 submissions from 3 submitters: Benign (2). 1 of the submissions does not count toward it. Last evaluated 2026-01-19.

Conditions:
LAMA5-related disorder. Also called: LAMA5-Related Disorders; LAMA5-related condition.

Allele frequency attached by ClinVar (database versions not stated): gnomAD exomes 0.00035 and 0.00072; ExAC 0.00108; gnomAD 0.00301 and 0.00319; ESP Exome Variant Server 0.00308; TOPMed 0.00315; 1000 Genomes Project 0.00359; 1000 Genomes Project 30x 0.00422.
gnomAD v4.1: 974 of 1,609,170 alleles (0.061%); highest among the groups gnomAD compares: African/African-American, 1%; 5 homozygotes.

Submissions (3):

Labcorp Genetics (formerly Invitae), Labcorp
Classification: Benign. Last evaluated: 2026-01-19. Review status: criteria provided, single submitter. Criteria: Invitae Variant Classification Sherloc (09022015). Collection method: clinical testing. Allele origin: germline.

Breakthrough Genomics
Classification: Benign. Review status: criteria provided, single submitter. Criteria: ACMG Guidelines, 2015. Collection method: not provided. Allele origin: germline. Inheritance: Autosomal recessive inheritance. Affected: yes.

PreventionGenetics, part of Exact Sciences
Classification: Benign for LAMA5-related condition. Last evaluated: 2019-04-25. Review status: no assertion criteria provided. Collection method: clinical testing. Allele origin: germline. Not counted in ClinVar's aggregate classification.
Comment: This variant is classified as benign based on ACMG/AMP sequence variant interpretation guidelines (Richards et al. 2015 PMID: 25741868, with internal and published modifications).

NM_005560.6(LAMA5):c.1589C>T (p.Ala530Val)

Gene: LAMA5 (laminin subunit alpha 5; minus strand). Cytogenetic location: 20q13.33.
Variant type: single nucleotide variant.
Coding change: c.1589C>T on transcript NM_005560.6 (MANE Select); coding-DNA position 1589, C replaced by T.
Protein change: p.Ala530Val; replaces alanine 530 with valine.
Molecular consequence: missense variant.
Genome position (GRCh38, 1-based): chr20:62,338,497, G>A on the plus strand (C>T on the coding strand, the complement: LAMA5 is on the minus strand). VCF-style: chr20-62338497-G-A. GRCh37 (hg19) VCF-style: chr20-60913553-G-A.
Other names: c.1589C>T (NM_005560.4); short protein forms A530V.
Identifiers: ClinVar variation 1599131 (VCV001599131.11), dbSNP rs149415741, ClinGen allele CA9943854.